The following is an entry in ClinVar:

ClinVar aggregate classification (germline): Uncertain significance (1 of 4 stars; one submission).

Allele frequency attached by ClinVar (database versions not stated): gnomAD exomes below 0.00001; gnomAD 0.00001; TOPMed 0.00001.
gnomAD v4.1: 2 of 1,603,424 alleles (0.00012%); highest among the groups gnomAD compares: African/African-American, 0.0027%; no homozygotes.

Submission:

Labcorp Genetics (formerly Invitae), Labcorp
Classification: Uncertain significance. Last evaluated: 2022-09-29. Review status: criteria provided, single submitter. Criteria: Invitae Variant Classification Sherloc (09022015). Collection method: clinical testing. Allele origin: germline.
Comment: Variants that disrupt the consensus splice site are a relatively common cause of aberrant splicing (PMID: 17576681, 9536098). Algorithms developed to predict the effect of sequence changes on RNA splicing suggest that this variant is not likely to affect RNA splicing. This sequence change falls in intron 47 of the COL2A1 gene. It does not directly change the encoded amino acid sequence of the COL2A1 protein. It affects a nucleotide within the consensus splice site. The frequency data for this variant in the population databases is considered unreliable, as metrics indicate poor data quality at this position in the gnomAD database. This variant has not been reported in the literature in individuals affected with COL2A1-related conditions. In summary, the available evidence is currently insufficient to determine the role of this variant in disease. Therefore, it has been classified as a Variant of Uncertain Significance.

Literature cited by the submitters: PubMed 17576681; PubMed 9536098.

NM_001844.5(COL2A1):c.3327+6T>C

Gene: COL2A1 (collagen type II alpha 1 chain; minus strand). Cytogenetic location: 12q13.11.
Variant type: single nucleotide variant.
Coding change: c.3327+6T>C on transcript NM_001844.5 (MANE Select); 6 bases into the intron after coding-DNA position 3327, T replaced by C.
Molecular consequence: intron variant.
Genome position (GRCh38, 1-based): chr12:47,977,096, A>G on the plus strand (T>C on the coding strand, the complement: COL2A1 is on the minus strand). VCF-style: chr12-47977096-A-G. GRCh37 (hg19) VCF-style: chr12-48370879-A-G.
Other names: c.3120+6T>C (NM_033150.3).
Identifiers: ClinVar variation 1966336 (VCV001966336.5), dbSNP rs1288628833, ClinGen allele CA605231624.